The following is an entry in ClinVar:

ClinVar aggregate classification (germline): Uncertain significance. Review status: criteria provided, multiple submitters, no conflicts (2 of 4 stars). 2 submissions from 2 submitters: Uncertain significance (2). Last evaluated 2026-05-21.

Conditions:
Hereditary cancer-predisposing syndrome. Also called: Neoplastic Syndromes, Hereditary; Tumor predisposition; Hereditary Cancer Syndrome; Hereditary neoplastic syndrome. Identifiers: Orphanet 140162, MedGen C0027672, MeSH D009386, MONDO:0015356.
Oligodontia-cancer predisposition syndrome. Also called: TOOTH AGENESIS-COLORECTAL CANCER SYNDROME. Identifiers: Orphanet 300576, MedGen C1837750, MONDO:0012075, OMIM 608615. Disease mechanism: loss of function.

Submissions (2):

Ambry Genetics
Classification: Uncertain significance for Hereditary cancer-predisposing syndrome. Last evaluated: 2026-05-21. Review status: criteria provided, single submitter. Criteria: Ambry Variant Classification Scheme 2023. Collection method: clinical testing. Allele origin: germline.
Comment: The p.G575D variant (also known as c.1724G>A), located in coding exon 6 of the AXIN2 gene, results from a G to A substitution at nucleotide position 1724. The glycine at codon 575 is replaced by aspartic acid, an amino acid with similar properties. This amino acid position is conserved. In addition, this alteration is predicted to be tolerated by in silico analysis. Based on the available evidence, the clinical significance of this variant remains unclear.

Labcorp Genetics (formerly Invitae), Labcorp
Classification: Uncertain significance for Oligodontia-cancer predisposition syndrome. Last evaluated: 2022-01-22. Review status: criteria provided, single submitter. Criteria: Invitae Variant Classification Sherloc (09022015). Collection method: clinical testing. Allele origin: germline.
Comment: In summary, the available evidence is currently insufficient to determine the role of this variant in disease. Therefore, it has been classified as a Variant of Uncertain Significance. Algorithms developed to predict the effect of missense changes on protein structure and function (SIFT, PolyPhen-2, Align-GVGD) all suggest that this variant is likely to be tolerated. This variant has not been reported in the literature in individuals affected with AXIN2-related conditions. This variant is not present in population databases (gnomAD no frequency). This sequence change replaces glycine, which is neutral and non-polar, with aspartic acid, which is acidic and polar, at codon 575 of the AXIN2 protein (p.Gly575Asp).

NM_004655.4(AXIN2):c.1724G>A (p.Gly575Asp)

Gene: AXIN2 (axin 2; minus strand). Cytogenetic location: 17q24.1.
Variant type: single nucleotide variant.
Coding change: c.1724G>A on transcript NM_004655.4 (MANE Select); coding-DNA position 1724, G replaced by A.
Protein change: p.Gly575Asp; replaces glycine 575 with aspartic acid.
Molecular consequence: missense variant. On other transcripts: intron variant (1).
Genome position (GRCh38, 1-based): chr17:65,537,052, C>T on the plus strand (G>A on the coding strand, the complement: AXIN2 is on the minus strand). VCF-style: chr17-65537052-C-T. GRCh37 (hg19) VCF-style: chr17-63533170-C-T.
Other names: c.1712+272G>A (NM_001363813.1); short protein forms G575D.
Identifiers: ClinVar variation 2089014 (VCV002089014.5), dbSNP rs2043937290, ClinGen allele CA400676742.
Genomic context (GRCh38, chr17:65,537,052, plus strand): 5'-CTGGCGGGCAGGGCCAGGCCCGGCTCCGTGCCTTTCCCATTGCGTTTGGGCAAGGTACTG[C>T]CTCTGCTGCCGCTGTGGGGAACCAAGAACCACACCCAACCCAGAGACCCGGTTAAATCTC-3'
Protein context (NP_004646.3, residues 565-585): MPSEQFGGSR[Gly575Asp]STLPKRNGKG